The following is an entry in ClinVar:

NM_005529.7(HSPG2):c.8011C>T (p.Pro2671Ser)

Gene: HSPG2 (heparan sulfate proteoglycan 2; minus strand). Cytogenetic location: 1p36.12.
Variant type: single nucleotide variant.
Coding change: c.8011C>T on transcript NM_005529.7 (MANE Select); coding-DNA position 8011, C replaced by T.
Protein change: p.Pro2671Ser; replaces proline 2671 with serine.
Molecular consequence: missense variant.
Genome position (GRCh38, 1-based): chr1:21,847,703, G>A on the plus strand (C>T on the coding strand, the complement: HSPG2 is on the minus strand). VCF-style: chr1-21847703-G-A. GRCh37 (hg19) VCF-style: chr1-22174196-G-A.
Other names: c.8014C>T, p.Pro2672Ser (NM_001291860.2); short protein forms P2671S, P2672S.
Identifiers: ClinVar variation 4540229 (VCV004540229.1).
Genomic context (GRCh38, chr1:21,847,703, plus strand): 5'-CAGGAGACCATGGTTCCACCCCCGCTGCTGTGGCTCCACTCTGTACCTGGTGTCGGGAGG[G>A]AAGGCTGCCCCCACGCTTGTACCATGTGATGATAGCCTGGGGCTGCCTGGCGACCACGCA-3'
Protein context (NP_005520.4, residues 2661-2681): ITWYKRGGSL[Pro2671Ser]SRHQTHGSHL

ClinVar aggregate classification (germline): Uncertain significance (1 of 4 stars; one submission).

gnomAD v4.1: 28 of 1,609,244 alleles (0.0017%); highest among the groups gnomAD compares: Non-Finnish European, 0.0024%; no homozygotes.

Submission:

GeneDx
Classification: Uncertain significance. Last evaluated: 2025-06-23. Review status: criteria provided, single submitter. Criteria: GeneDx Variant Classification Process June 2021. Collection method: clinical testing. Allele origin: germline. Affected: yes.
Comment: Not observed at significant frequency in large population cohorts (gnomAD); In silico analysis supports that this missense variant has a deleterious effect on protein structure/function; Has not been previously published as pathogenic or benign to our knowledge